The following is an entry in ClinVar:

NM_212482.4(FN1):c.697G>A (p.Asp233Asn)

Gene: FN1 (fibronectin 1; minus strand). Cytogenetic location: 2q35.
Variant type: single nucleotide variant.
Coding change: c.697G>A on transcript NM_212482.4 (MANE Select); coding-DNA position 697, G replaced by A.
Protein change: p.Asp233Asn; replaces aspartic acid 233 with asparagine.
Molecular consequence: missense variant.
Genome position (GRCh38, 1-based): chr2:215,428,327, C>T on the plus strand (G>A on the coding strand, the complement: FN1 is on the minus strand). VCF-style: chr2-215428327-C-T. GRCh37 (hg19) VCF-style: chr2-216293050-C-T.
Other names: c.697G>A, p.Asp233Asn (NM_001306129.2, NM_001306130.2, NM_001306131.2 and 14 more transcripts); short protein forms D233N.
Identifiers: ClinVar variation 1901636 (VCV001901636.5), dbSNP rs759240555, ClinGen allele CA2095480.

ClinVar aggregate classification (germline): Uncertain significance (1 of 4 stars; one submission).

Allele frequency attached by ClinVar (database versions not stated): gnomAD 0.00001; gnomAD exomes 0.00001; TOPMed 0.00001; ExAC 0.00002.
gnomAD v4.1: 10 of 1,613,914 alleles (0.00062%); highest among the groups gnomAD compares: South Asian, 0.0066%; no homozygotes.

Submission:

Labcorp Genetics (formerly Invitae), Labcorp
Classification: Uncertain significance. Last evaluated: 2023-04-28. Review status: criteria provided, single submitter. Criteria: Invitae Variant Classification Sherloc (09022015). Collection method: clinical testing. Allele origin: germline.
Comment: ClinVar contains an entry for this variant (Variation ID: 1901636). In summary, the available evidence is currently insufficient to determine the role of this variant in disease. Therefore, it has been classified as a Variant of Uncertain Significance. Advanced modeling of protein sequence and biophysical properties (such as structural, functional, and spatial information, amino acid conservation, physicochemical variation, residue mobility, and thermodynamic stability) performed at Invitae indicates that this missense variant is expected to disrupt FN1 protein function. This variant has not been reported in the literature in individuals affected with FN1-related conditions. This variant is present in population databases (rs759240555, gnomAD 0.006%). This sequence change replaces aspartic acid, which is acidic and polar, with asparagine, which is neutral and polar, at codon 233 of the FN1 protein (p.Asp233Asn).